The following is an entry in ClinVar:

ClinVar aggregate classification (germline): Conflicting classifications of pathogenicity. Review status: criteria provided, conflicting classifications (1 of 4 stars). 3 submissions from 3 submitters: Uncertain significance (1); Likely benign (1). 1 of the submissions does not count toward it. Last evaluated 2026-07-13.

Conditions:
TTN-related disorder. Also called: TTN-related condition; TTN-related disease; TTN-related disorders.

Allele frequency attached by ClinVar (database versions not stated): gnomAD exomes 0.00004.

Submissions (3):

PreventionGenetics, part of Exact Sciences
Classification: Uncertain significance for TTN-related condition. Last evaluated: 2026-07-13. Review status: criteria provided, single submitter. Criteria: ACMG Guidelines, 2015. Collection method: clinical testing. Allele origin: germline.
Comment: The TTN c.38255C>T variant is predicted to result in the amino acid substitution p.Pro12752Leu. To our knowledge, this variant has not been reported in the literature. This variant is reported in 0.016% of alleles in individuals of African descent in gnomAD; however, this variant resides within a region of high paralogy and allele frequencies should be interpreted with caution. At this time, the clinical significance of this variant is uncertain due to the absence of conclusive functional and genetic evidence.

Blueprint Genetics
Classification: Likely benign. Last evaluated: 2024-05-30. Review status: criteria provided, single submitter. Criteria: ACMG Guidelines, 2015. Collection method: clinical testing. Allele origin: germline.

GeneDx
No classification provided. Last evaluated: 2014-07-10. Review status: no classification provided. Criteria: GeneDx Variant Classification (06012015). Collection method: clinical testing. Allele origin: germline. Affected: yes. Not counted in ClinVar's aggregate classification.
Comment: Missense variants in the TTN gene are considered 'unclassified' if they are not previously reported in the literature and do not have >1% frequency in the population to be considered a polymorphism. Research indicates that truncating mutations in the TTN gene are expected to account for approximately 25% of familial and 18% of sporadic idiopathic DCM; however, truncating variants in the TTN gene have been reported in approximately 3% of reported control alleles. There has been little investigation into non-truncating variants. (Herman D et al. Truncations of titin causing dilated cardiomyopathy. N Eng J Med 366:619-628, 2012) The variant is found in DCM-CRDM,CARDIOMYOPATHY panel(s).

NM_001267550.2(TTN):c.38255C>T (p.Pro12752Leu)

Gene: TTN (titin; minus strand). Cytogenetic location: 2q31.2.
Variant type: single nucleotide variant.
Coding change: c.38255C>T on transcript NM_001267550.2 (MANE Select); coding-DNA position 38255, C replaced by T.
Protein change: p.Pro12752Leu; replaces proline 12752 with leucine.
Molecular consequence: missense variant. On other transcripts: intron variant (5).
Genome position (GRCh38, 1-based): chr2:178,654,486, G>A on the plus strand (C>T on the coding strand, the complement: TTN is on the minus strand). VCF-style: chr2-178654486-G-A. GRCh37 (hg19) VCF-style: chr2-179519213-G-A.
Other names: p.P12752L:CCG>CTG; c.13283-12169C>T (NM_003319.4); c.13859-12169C>T (NM_133437.4); c.13658-12169C>T (NM_133432.3); c.31742-1945C>T (NM_133378.4); c.34523-1945C>T (NM_001256850.1); c.38255C>T (LRG_391t1); short protein forms P12752L.
Identifiers: ClinVar variation 202597 (VCV000202597.3), dbSNP rs794729418, ClinGen allele CA309705.